The following is an entry in ClinVar:

ClinVar aggregate classification (germline): Likely benign. Review status: criteria provided, single submitter (1 of 4 stars). 4 submissions from 4 submitters: Likely benign (1). 3 of the submissions do not count toward it. Last evaluated 2023-12-28.

Conditions:
BBS9-related disorder. Also called: BBS9-related condition.
Bardet-Biedl syndrome (BBS). Identifiers: Orphanet 110, MedGen C0752166, MONDO:0015229.

Submissions (4):

Labcorp Genetics (formerly Invitae), Labcorp
Classification: Likely benign for Bardet-Biedl syndrome. Last evaluated: 2023-12-28. Review status: criteria provided, single submitter. Criteria: Invitae Variant Classification Sherloc (09022015). Collection method: clinical testing. Allele origin: germline.

PreventionGenetics, part of Exact Sciences
Classification: Likely benign for BBS9-related condition. Last evaluated: 2022-07-29. Review status: no assertion criteria provided. Collection method: clinical testing. Allele origin: germline. Not counted in ClinVar's aggregate classification.
Comment: This variant is classified as likely benign based on ACMG/AMP sequence variant interpretation guidelines (Richards et al. 2015 PMID: 25741868, with internal and published modifications).

Clinical Genetics DNA and cytogenetics Diagnostics Lab, Erasmus MC, Erasmus Medical Center
Classification: Likely benign. Review status: no assertion criteria provided. Collection method: clinical testing. Allele origin: germline. Affected: yes. Study: VKGL Data-share Consensus. Not counted in ClinVar's aggregate classification.

Laboratory of Diagnostic Genome Analysis, Leiden University Medical Center (LUMC)
Classification: Likely benign. Review status: no assertion criteria provided. Collection method: clinical testing. Allele origin: germline. Affected: yes. Study: VKGL Data-share Consensus. Not counted in ClinVar's aggregate classification.

NM_198428.3(BBS9):c.329-6C>T

Gene: BBS9 (Bardet-Biedl syndrome 9; plus strand). Cytogenetic location: 7p14.3.
Variant type: single nucleotide variant.
Coding change: c.329-6C>T on transcript NM_198428.3 (MANE Select); 6 bases into the intron before coding-DNA position 329, C replaced by T.
Molecular consequence: intron variant.
Genome position (GRCh38, 1-based): chr7:33,177,472, C>T. VCF-style: chr7-33177472-C-T. GRCh37 (hg19) VCF-style: chr7-33217084-C-T.
Other names: c.329-6C>T (NM_001348036.1, NM_001362679.1, NM_001348041.4 and 5 more transcripts); c.56-6C>T (NM_001348038.3, NM_001348039.3); c.-38-6C>T (NM_001348037.3, NM_001348045.3, NM_001348046.3 and 1 more transcripts); c.194-6C>T (NM_001348042.3).
Identifiers: ClinVar variation 462971 (VCV000462971.12), dbSNP rs1445078208, ClinGen allele CA573762345.